The following is an entry in ClinVar:

NM_004706.4(ARHGEF1):c.743del (p.Lys248fs)

Gene: ARHGEF1 (Rho guanine nucleotide exchange factor 1; plus strand). Cytogenetic location: 19q13.2.
Variant type: Deletion.
Coding change: c.743del on transcript NM_004706.4 (MANE Select); coding-DNA position 743, one base deleted (A; older notation c.743delA).
Protein change: p.Lys248fs; shifts the reading frame from lysine 248.
Molecular consequence: frameshift variant. On other transcripts: non-coding transcript variant (2).
Genome position (GRCh38, 1-based): chr19:41,894,305, A deleted; the last of 5 consecutive A bases (chr19:41,894,301-41,894,305); deleting any one gives the same sequence. VCF-style (leftmost placement, unchanged base first): chr19-41894300-GA-G. GRCh37 (hg19) VCF-style: chr19-42398373-GA-G.
Other names: c.743del, p.Lys248fs (NM_001396000.1, NM_001396003.1, NM_001396006.1); c.644del, p.Lys215fs (NM_001396002.1, NM_001396004.1, NM_198977.2); c.788del, p.Lys263fs (NM_199002.2); short protein forms K263fs, K215fs, K248fs.
Identifiers: ClinVar variation 4697288 (VCV004697288.1).

ClinVar aggregate classification (germline): Uncertain significance (1 of 4 stars; one submission).

Submission:

Labcorp Genetics (formerly Invitae), Labcorp
Classification: Uncertain significance. Last evaluated: 2025-10-26. Review status: criteria provided, single submitter. Criteria: Invitae Variant Classification Sherloc (09022015). Collection method: clinical testing. Allele origin: germline.
Comment: This sequence change creates a premature translational stop signal (p.Lys263Argfs*2) in the ARHGEF1 gene. It is expected to result in an absent or disrupted protein product. However, the current clinical and genetic evidence is not sufficient to establish whether loss-of-function variants in ARHGEF1 cause disease. The frequency data for this variant in the population databases is considered unreliable, as metrics indicate poor data quality at this position in the gnomAD database. This variant has not been reported in the literature in individuals affected with ARHGEF1-related conditions. In summary, the available evidence is currently insufficient to determine the role of this variant in disease. Therefore, it has been classified as a Variant of Uncertain Significance.